The following is an entry in ClinVar:

ClinVar aggregate classification (germline): Likely benign. Review status: criteria provided, multiple submitters, no conflicts (2 of 4 stars). 2 submissions from 2 submitters: Likely benign (2). Last evaluated 2025-09-15.

Conditions:
Tuberous sclerosis 1 (TSC1). Identifiers: Orphanet 805, MedGen C1854465, MONDO:0008612, OMIM 191100.

Submissions (2):

Labcorp Genetics (formerly Invitae), Labcorp
Classification: Likely benign for Tuberous sclerosis 1. Last evaluated: 2025-09-15. Review status: criteria provided, single submitter. Criteria: Invitae Variant Classification Sherloc (09022015). Collection method: clinical testing. Allele origin: germline.

Myriad Genetics, Inc.
Classification: Likely benign for Tuberous sclerosis 1. Last evaluated: 2025-04-09. Review status: criteria provided, single submitter. Criteria: Myriad Autosomal Dominant, Autosomal Recessive and X-Linked Classification Criteria (2023). Collection method: clinical testing. Allele origin: unknown.
Comment: This variant is considered likely benign. This variant is intronic and is not expected to impact mRNA splicing.

NM_000368.5(TSC1):c.914-10T>C

Gene: TSC1 (TSC complex subunit 1; minus strand). Cytogenetic location: 9q34.13.
Variant type: single nucleotide variant.
Coding change: c.914-10T>C on transcript NM_000368.5 (MANE Select); 10 bases into the intron before coding-DNA position 914, T replaced by C.
Molecular consequence: intron variant.
Genome position (GRCh38, 1-based): chr9:132,911,578, A>G on the plus strand (T>C on the coding strand, the complement: TSC1 is on the minus strand). VCF-style: chr9-132911578-A-G. GRCh37 (hg19) VCF-style: chr9-135786965-A-G.
Other names: c.551-10T>C (NM_001362177.2); c.761-10T>C (NM_001162427.2); c.914-10T>C (NM_001162426.2).
Identifiers: ClinVar variation 534485 (VCV000534485.12), dbSNP rs1554817441, ClinGen allele CA658797330.